The following is an entry in ClinVar:

ClinVar aggregate classification (germline): Likely benign. Review status: criteria provided, multiple submitters, no conflicts (2 of 4 stars). 4 submissions from 4 submitters: Likely benign (4). Last evaluated 2024-12-08.

Conditions:
Familial adenomatous polyposis 1 (FAP1). Also called: POLYPOSIS, ADENOMATOUS INTESTINAL; FAMILIAL ADENOMATOUS POLYPOSIS 1, ATTENUATED. Identifiers: MedGen C2713442, MONDO:0021056, OMIM 175100. Disease mechanism: loss of function.
Classic or attenuated familial adenomatous polyposis. Identifiers: MedGen CN372698, MONDO:0021057.
Hereditary cancer-predisposing syndrome. Also called: Neoplastic Syndromes, Hereditary; Hereditary Cancer Syndrome; Hereditary neoplastic syndrome; Tumor predisposition. Identifiers: Orphanet 140162, MedGen C0027672, MeSH D009386, MONDO:0015356.

Allele frequency attached by ClinVar (database versions not stated): gnomAD exomes below 0.00001.
gnomAD v4.1: 1 of 1,614,162 alleles (0.000062%); highest among the groups gnomAD compares: Admixed American, 0.0017%; no homozygotes.

Submissions (4):

Ambry Genetics
Classification: Likely benign for Hereditary cancer-predisposing syndrome. Last evaluated: 2024-12-08. Review status: criteria provided, single submitter. Criteria: Ambry Variant Classification Scheme 2023. Collection method: clinical testing. Allele origin: germline.

All of Us Research Program, National Institutes of Health
Classification: Likely benign for Classic or attenuated familial adenomatous polyposis. Last evaluated: 2024-05-14. Review status: criteria provided, single submitter. Criteria: ACMG Guidelines, 2015. Collection method: clinical testing. Allele origin: germline. Inheritance: Autosomal dominant inheritance. Observed: 2 variant alleles, 2 heterozygotes.
Comment: This study involves interpretation of variants in research participants for the purpose of population health screening. Participant phenotype was not available at the time of variant classification. Additional details can be found in publication PMID: 35346344, PMCID: PMC8962531

Labcorp Genetics (formerly Invitae), Labcorp
Classification: Likely benign for Familial adenomatous polyposis 1. Last evaluated: 2023-07-28. Review status: criteria provided, single submitter. Criteria: Invitae Variant Classification Sherloc (09022015). Collection method: clinical testing. Allele origin: germline.

Women's Health and Genetics/Laboratory Corporation of America, LabCorp
Classification: Likely benign. Last evaluated: 2022-07-28. Review status: criteria provided, single submitter. Criteria: LabCorp Variant Classification Summary - May 2015. Collection method: clinical testing. Allele origin: germline.

NM_000038.6(APC):c.2589C>T (p.Tyr863=)

Gene: APC (APC regulator of Wnt signaling pathway; plus strand). Cytogenetic location: 5q22.2.
Variant type: single nucleotide variant.
Coding change: c.2589C>T on transcript NM_000038.6 (MANE Select); coding-DNA position 2589, C replaced by T.
Protein change: p.Tyr863=; no amino-acid change (tyrosine 863 retained).
Molecular consequence: synonymous variant.
Genome position (GRCh38, 1-based): chr5:112,838,183, C>T. VCF-style: chr5-112838183-C-T. GRCh37 (hg19) VCF-style: chr5-112173880-C-T.
Other names: c.2619C>T, p.Tyr873= (NM_001354897.2); c.2514C>T, p.Tyr838= (NM_001354898.2); c.2505C>T, p.Tyr835= (NM_001354899.2); c.2466C>T, p.Tyr822= (NM_001354900.2); c.2412C>T, p.Tyr804= (NM_001354901.2); c.2316C>T, p.Tyr772= (NM_001354902.2); c.2286C>T, p.Tyr762= (NM_001354903.2); c.2211C>T, p.Tyr737= (NM_001354904.2); and 5 more.
Identifiers: ClinVar variation 1121433 (VCV001121433.14), dbSNP rs1561578229, ClinGen allele CA445962917.